The following is an entry in ClinVar:

NM_001171.6(ABCC6):c.3516G>A (p.Ala1172=)

Gene: ABCC6 (ATP binding cassette subfamily C member 6; minus strand). Cytogenetic location: 16p13.11.
Variant type: single nucleotide variant.
Coding change: c.3516G>A on transcript NM_001171.6 (MANE Select); coding-DNA position 3516, G replaced by A.
Protein change: p.Ala1172=; no amino-acid change (alanine 1172 retained).
Molecular consequence: synonymous variant. On other transcripts: non-coding transcript variant (1).
Genome position (GRCh38, 1-based): chr16:16,161,555, C>T on the plus strand (G>A on the coding strand, the complement: ABCC6 is on the minus strand). VCF-style: chr16-16161555-C-T. GRCh37 (hg19) VCF-style: chr16-16255412-C-T.
Other names: c.3174G>A, p.Ala1058= (NM_001351800.1).
Identifiers: ClinVar variation 3715010 (VCV003715010.10).
Genomic context (GRCh38, chr16:16,161,555, plus strand): 5'-CAGCACAGCACACGTGGCAGCTGCAAACACCAGGCCATTCCCCAGGAGCTCCACATTGGC[C>T]GCAAGCCACCTGCAAAGGGAAGCGACAGCAGGGTGAGTGGTTACTCTCATCTGCAGGGAG-3'
Protein context (NP_001162.5, residues 1162-1182): FPRLVADRWL[Ala1172=]ANVELLGNGL

ClinVar aggregate classification (germline): Likely benign. Review status: criteria provided, multiple submitters, no conflicts (2 of 4 stars). 3 submissions from 3 submitters: Likely benign (3). Last evaluated 2025-04-01.

gnomAD v4.1: 13 of 1,613,776 alleles (0.00081%); highest among the groups gnomAD compares: African/African-American, 0.0027%; no homozygotes.

Submissions (3):

CeGaT Center for Human Genetics Tuebingen
Classification: Likely benign. Last evaluated: 2025-04-01. Review status: criteria provided, single submitter. Criteria: CeGaT Center For Human Genetics Tuebingen Variant Classification Criteria Version 2. Collection method: clinical testing. Allele origin: germline. Affected: yes. Observed: 1 variant allele.
Comment: ABCC6: BP4, BP7

Labcorp Genetics (formerly Invitae), Labcorp
Classification: Likely benign. Last evaluated: 2024-06-21. Review status: criteria provided, single submitter. Criteria: Invitae Variant Classification Sherloc (09022015). Collection method: clinical testing. Allele origin: germline.

Blueprint Genetics
Classification: Likely benign. Last evaluated: 2022-10-24. Review status: criteria provided, single submitter. Criteria: ACMG Guidelines, 2015. Collection method: clinical testing. Allele origin: germline.